The following is an entry in ClinVar:

ClinVar aggregate classification (germline): Uncertain significance (1 of 4 stars; one submission).

Submission:

GeneDx
Classification: Uncertain significance. Last evaluated: 2022-09-14. Review status: criteria provided, single submitter. Criteria: GeneDx Variant Classification Process June 2021. Collection method: clinical testing. Allele origin: germline. Affected: yes.
Comment: In silico analysis supports that this missense variant does not alter protein structure/function; Not observed at significant frequency in large population cohorts (gnomAD); Has not been previously published as pathogenic or benign to our knowledge

NM_031407.7(HUWE1):c.4747A>C (p.Ile1583Leu)

Gene: HUWE1 (HECT, UBA and WWE domain containing E3 ubiquitin protein ligase 1; minus strand). Cytogenetic location: Xp11.22.
Variant type: single nucleotide variant.
Coding change: c.4747A>C on transcript NM_031407.7 (MANE Select); coding-DNA position 4747, A replaced by C.
Protein change: p.Ile1583Leu; replaces isoleucine 1583 with leucine.
Molecular consequence: missense variant.
Genome position (GRCh38, 1-based): chrX:53,586,567, T>G on the plus strand (A>C on the coding strand, the complement: HUWE1 is on the minus strand). VCF-style: chrX-53586567-T-G. GRCh37 (hg19) VCF-style: chrX-53613527-T-G.
Other names: short protein forms I1583L.
Identifiers: ClinVar variation 2444703 (VCV002444703.1), dbSNP rs2525711140, ClinGen allele CA413175529.